The following is an entry in ClinVar:

ClinVar aggregate classification (germline): Conflicting classifications of pathogenicity. Review status: criteria provided, conflicting classifications (1 of 4 stars). 3 submissions from 3 submitters: Uncertain significance (2); Likely benign (1). Last evaluated 2025-08-21.

Allele frequency attached by ClinVar (database versions not stated): gnomAD 0.00001; gnomAD exomes 0.00001; TOPMed 0.00001; ExAC 0.00002.
gnomAD v4.1: 14 of 1,612,562 alleles (0.00087%); highest among the groups gnomAD compares: Non-Finnish European, 0.0012%; no homozygotes.

Submissions (3):

Labcorp Genetics (formerly Invitae), Labcorp
Classification: Uncertain significance. Last evaluated: 2025-08-21. Review status: criteria provided, single submitter. Criteria: Invitae Variant Classification Sherloc (09022015). Collection method: clinical testing. Allele origin: germline.
Comment: This sequence change replaces alanine, which is neutral and non-polar, with valine, which is neutral and non-polar, at codon 311 of the CLTC protein (p.Ala311Val). This variant is present in population databases (rs756921292, gnomAD 0.003%). This variant has not been reported in the literature in individuals affected with CLTC-related conditions. ClinVar contains an entry for this variant (Variation ID: 2059366). Invitae Evidence Modeling of protein sequence and biophysical properties (such as structural, functional, and spatial information, amino acid conservation, physicochemical variation, residue mobility, and thermodynamic stability) indicates that this missense variant is not expected to disrupt CLTC protein function with a negative predictive value of 80%. In summary, the available evidence is currently insufficient to determine the role of this variant in disease. Therefore, it has been classified as a Variant of Uncertain Significance.

Blueprint Genetics
Classification: Likely benign. Last evaluated: 2024-08-06. Review status: criteria provided, single submitter. Criteria: ACMG Guidelines, 2015. Collection method: clinical testing. Allele origin: germline.

CeGaT Center for Human Genetics Tuebingen
Classification: Uncertain significance. Last evaluated: 2024-08-01. Review status: criteria provided, single submitter. Criteria: CeGaT Center For Human Genetics Tuebingen Variant Classification Criteria Version 2. Collection method: clinical testing. Allele origin: germline. Affected: yes. Observed: 2 variant alleles.
Comment: CLTC: PP2

NM_004859.4(CLTC):c.920C>T (p.Ala307Val)

Gene: CLTC (clathrin heavy chain; plus strand). Cytogenetic location: 17q23.1.
Variant type: single nucleotide variant.
Coding change: c.920C>T on transcript NM_004859.4 (MANE Select); coding-DNA position 920, C replaced by T.
Protein change: p.Ala307Val; replaces alanine 307 with valine.
Molecular consequence: missense variant.
Genome position (GRCh38, 1-based): chr17:59,655,978, C>T. VCF-style: chr17-59655978-C-T. GRCh37 (hg19) VCF-style: chr17-57733339-C-T.
Other names: c.932C>T, p.Ala311Val (NM_001288653.2); short protein forms A307V, A311V.
Identifiers: ClinVar variation 2059366 (VCV002059366.29), dbSNP rs756921292, ClinGen allele CA8681134.